The following is an entry in ClinVar:

ClinVar aggregate classification (germline): Likely pathogenic (1 of 4 stars; one submission).

Conditions:
Hepatoencephalopathy due to combined oxidative phosphorylation defect type 1. Also called: HEPATOENCEPHALOPATHY, EARLY FATAL PROGRESSIVE. Identifiers: Orphanet 137681, MedGen C1836797, MONDO:0012191, OMIM 609060.

Submission:

Natera, Inc.
Classification: Likely pathogenic for Combined oxidative phosphorylation deficiency 1. Last evaluated: 2024-03-11. Review status: criteria provided, single submitter. Criteria: Natera Variant Classification Schema (03/2026). Collection method: clinical testing. Allele origin: germline.
Comment: The c.1906C>T variant in GFM1 is a nonsense variant predicted to introduce a stop codon at amino acid 636. This variant is expected to result in nonsense mediated decay, truncation, or a dysfunctional protein product. This variant is rare in the general population with a frequency below the threshold expected for the associated phenotype(s). Given the available evidence, this variant is classified as Likely Pathogenic.

NM_024996.7(GFM1):c.1906C>T (p.Gln636Ter)

Gene: GFM1 (G elongation factor mitochondrial 1; plus strand). Cytogenetic location: 3q25.32.
Variant type: single nucleotide variant.
Coding change: c.1906C>T on transcript NM_024996.7 (MANE Select); coding-DNA position 1906, C replaced by T.
Protein change: p.Gln636Ter; replaces glutamine 636 with a stop codon.
Molecular consequence: nonsense. On other transcripts: non-coding transcript variant (2).
Genome position (GRCh38, 1-based): chr3:158,684,665, C>T. VCF-style: chr3-158684665-C-T. GRCh37 (hg19) VCF-style: chr3-158402454-C-T.
Other names: c.1963C>T, p.Gln655Ter (NM_001308164.2); c.1825C>T, p.Gln609Ter (NM_001374355.1); c.1789C>T, p.Gln597Ter (NM_001374356.1); c.1681C>T, p.Gln561Ter (NM_001374357.1); c.1447C>T, p.Gln483Ter (NM_001374358.1); c.1339C>T, p.Gln447Ter (NM_001374359.1, NM_001374360.1); c.1222C>T, p.Gln408Ter (NM_001374361.1); short protein forms Q408*, Q447*, Q483*, Q561*, Q597*, Q609*, Q636*, Q655*.
Identifiers: ClinVar variation 4816183 (VCV004816183.1).